The following is an entry in ClinVar:

ClinVar aggregate classification (germline): Uncertain significance (1 of 4 stars; one submission).

Conditions:
Generalized pustular psoriasis. Identifiers: Orphanet 247353, MedGen C0343055, MONDO:0100491.

Submission:

Labcorp Genetics (formerly Invitae), Labcorp
Classification: Uncertain significance for Generalized pustular psoriasis. Last evaluated: 2026-01-06. Review status: criteria provided, single submitter. Criteria: Invitae Variant Classification Sherloc (09022015). Collection method: clinical testing. Allele origin: germline.
Comment: This sequence change falls in intron 4 of the IL36RN gene. It does not directly change the encoded amino acid sequence of the IL36RN protein. This variant is not present in population databases (gnomAD no frequency). This variant has not been reported in the literature in individuals affected with IL36RN-related conditions. Algorithms developed to predict the effect of sequence changes on RNA splicing suggest that this variant may disrupt the consensus splice site. In summary, the available evidence is currently insufficient to determine the role of this variant in disease. Therefore, it has been classified as a Variant of Uncertain Significance.

NM_012275.3(IL36RN):c.244-9T>A

Gene: IL36RN (interleukin 36 receptor antagonist; plus strand). Cytogenetic location: 2q14.1.
Variant type: single nucleotide variant.
Coding change: c.244-9T>A on transcript NM_012275.3 (MANE Select); 9 bases into the intron before coding-DNA position 244, T replaced by A.
Molecular consequence: intron variant.
Genome position (GRCh38, 1-based): chr2:113,062,444, T>A. VCF-style: chr2-113062444-T-A. GRCh37 (hg19) VCF-style: chr2-113820021-T-A.
Other names: c.244-9T>A (NM_173170.1).
Identifiers: ClinVar variation 4766883 (VCV004766883.1).